The following is an entry in ClinVar:

NM_003482.4(KMT2D):c.13035A>C (p.Lys4345Asn)

Gene: KMT2D (lysine methyltransferase 2D; minus strand). Cytogenetic location: 12q13.12.
Variant type: single nucleotide variant.
Coding change: c.13035A>C on transcript NM_003482.4 (MANE Select); coding-DNA position 13035, A replaced by C.
Protein change: p.Lys4345Asn; replaces lysine 4345 with asparagine.
Molecular consequence: missense variant.
Genome position (GRCh38, 1-based): chr12:49,031,670, T>G on the plus strand (A>C on the coding strand, the complement: KMT2D is on the minus strand). VCF-style: chr12-49031670-T-G. GRCh37 (hg19) VCF-style: chr12-49425453-T-G.
Other names: short protein forms K4345N.
Identifiers: ClinVar variation 4764801 (VCV004764801.1).

ClinVar aggregate classification (germline): Uncertain significance (1 of 4 stars; one submission).

Conditions:
Kabuki syndrome. Also called: Kabuki make-up syndrome; NIIKAWA-KUROKI SYNDROME. Identifiers: Orphanet 2322, MedGen C0796004, MONDO:0016512.

Submission:

Labcorp Genetics (formerly Invitae), Labcorp
Classification: Uncertain significance for Kabuki syndrome. Last evaluated: 2025-08-18. Review status: criteria provided, single submitter. Criteria: Invitae Variant Classification Sherloc (09022015). Collection method: clinical testing. Allele origin: germline.
Comment: This sequence change replaces lysine, which is basic and polar, with asparagine, which is neutral and polar, at codon 4345 of the KMT2D protein (p.Lys4345Asn). This variant is not present in population databases (gnomAD no frequency). This variant has not been reported in the literature in individuals affected with KMT2D-related conditions. Invitae Evidence Modeling of protein sequence and biophysical properties (such as structural, functional, and spatial information, amino acid conservation, physicochemical variation, residue mobility, and thermodynamic stability) indicates that this missense variant is not expected to disrupt KMT2D protein function with a negative predictive value of 95%. In summary, the available evidence is currently insufficient to determine the role of this variant in disease. Therefore, it has been classified as a Variant of Uncertain Significance.